The following is an entry in ClinVar:

NM_018060.4(IARS2):c.2269C>G (p.Gln757Glu)

Gene: IARS2 (isoleucyl-tRNA synthetase 2, mitochondrial; plus strand). Cytogenetic location: 1q41.
Variant type: single nucleotide variant.
Coding change: c.2269C>G on transcript NM_018060.4 (MANE Select); coding-DNA position 2269, C replaced by G.
Protein change: p.Gln757Glu; replaces glutamine 757 with glutamic acid.
Molecular consequence: missense variant.
Genome position (GRCh38, 1-based): chr1:220,139,101, C>G. VCF-style: chr1-220139101-C-G. GRCh37 (hg19) VCF-style: chr1-220312443-C-G.
Other names: short protein forms Q757E.
Identifiers: ClinVar variation 2102402 (VCV002102402.4), dbSNP rs375633962, ClinGen allele CA37528596.
Genomic context (GRCh38, chr1:220,139,101, plus strand): 5'-GTGGCTGATTTCAACCCAGAAACAGATTCCATCCCTGTAAACGATATGTATGTCATAGAC[C>G]AGTACATGCTACACTTACTGCAGGATTTGGCAAACAAGGTAAATGTAAATTAATAAACTT-3'
Protein context (NP_060530.3, residues 747-767): IPVNDMYVID[Gln757Glu]YMLHLLQDLA

ClinVar aggregate classification (germline): Uncertain significance (1 of 4 stars; one submission).

Allele frequency attached by ClinVar (database versions not stated): gnomAD exomes below 0.00001; gnomAD 0.00001; TOPMed 0.00001; ESP Exome Variant Server 0.00008.
gnomAD v4.1: 2 of 1,612,040 alleles (0.00012%); highest among the groups gnomAD compares: Non-Finnish European, 0.00017%; no homozygotes.

Submission:

Labcorp Genetics (formerly Invitae), Labcorp
Classification: Uncertain significance. Last evaluated: 2024-07-01. Review status: criteria provided, single submitter. Criteria: Invitae Variant Classification Sherloc (09022015). Collection method: clinical testing. Allele origin: germline.
Comment: This sequence change replaces glutamine, which is neutral and polar, with glutamic acid, which is acidic and polar, at codon 757 of the IARS2 protein (p.Gln757Glu). This variant is not present in population databases (gnomAD no frequency). This variant has not been reported in the literature in individuals affected with IARS2-related conditions. ClinVar contains an entry for this variant (Variation ID: 2102402). An algorithm developed to predict the effect of missense changes on protein structure and function (PolyPhen-2) suggests that this variant is likely to be disruptive. In summary, the available evidence is currently insufficient to determine the role of this variant in disease. Therefore, it has been classified as a Variant of Uncertain Significance.